The following is an entry in ClinVar:

NM_002047.4(GARS1):c.1375G>A (p.Val459Ile)

Gene: GARS1 (glycyl-tRNA synthetase 1; plus strand). Cytogenetic location: 7p14.3.
Variant type: single nucleotide variant.
Coding change: c.1375G>A on transcript NM_002047.4 (MANE Select); coding-DNA position 1375, G replaced by A.
Protein change: p.Val459Ile; replaces valine 459 with isoleucine.
Molecular consequence: missense variant.
Genome position (GRCh38, 1-based): chr7:30,621,408, G>A. VCF-style: chr7-30621408-G-A. GRCh37 (hg19) VCF-style: chr7-30661024-G-A.
Other names: c.1213G>A, p.Val405Ile (NM_001316772.1); short protein forms V459I, V405I.
Identifiers: ClinVar variation 3716125 (VCV003716125.2).

ClinVar aggregate classification (germline): Uncertain significance (1 of 4 stars; one submission).

Conditions:
Charcot-Marie-Tooth disease type 2. Also called: Charcot-Marie-Tooth type 2. Identifiers: Orphanet 64746, MedGen C0270914, MONDO:0018993.

gnomAD v4.1: 2 of 1,614,084 alleles (0.00012%); highest among the groups gnomAD compares: African/African-American, 0.0027%; no homozygotes.

Submission:

Labcorp Genetics (formerly Invitae), Labcorp
Classification: Uncertain significance for Charcot-Marie-Tooth disease type 2. Last evaluated: 2025-10-21. Review status: criteria provided, single submitter. Criteria: Invitae Variant Classification Sherloc (09022015). Collection method: clinical testing. Allele origin: germline.
Comment: This sequence change replaces valine, which is neutral and non-polar, with isoleucine, which is neutral and non-polar, at codon 459 of the GARS protein (p.Val459Ile). This variant is present in population databases (no rsID available, gnomAD 0.01%). This variant has not been reported in the literature in individuals affected with GARS-related conditions. ClinVar contains an entry for this variant (Variation ID: 3716125). Invitae Evidence Modeling of protein sequence and biophysical properties (such as structural, functional, and spatial information, amino acid conservation, physicochemical variation, residue mobility, and thermodynamic stability) indicates that this missense variant is not expected to disrupt GARS protein function with a negative predictive value of 80%. In summary, the available evidence is currently insufficient to determine the role of this variant in disease. Therefore, it has been classified as a Variant of Uncertain Significance.